The following is an entry in ClinVar:

NM_003742.4(ABCB11):c.3597T>C (p.Asp1199=)

Gene: ABCB11 (ATP binding cassette subfamily B member 11; minus strand). Cytogenetic location: 2q31.1.
Variant type: single nucleotide variant.
Coding change: c.3597T>C on transcript NM_003742.4 (MANE Select); coding-DNA position 3597, T replaced by C.
Protein change: p.Asp1199=; no amino-acid change (aspartic acid 1199 retained).
Molecular consequence: synonymous variant.
Genome position (GRCh38, 1-based): chr2:168,927,177, A>G on the plus strand (T>C on the coding strand, the complement: ABCB11 is on the minus strand). VCF-style: chr2-168927177-A-G. GRCh37 (hg19) VCF-style: chr2-169783687-A-G.
Identifiers: ClinVar variation 3389592 (VCV003389592.14).

ClinVar aggregate classification (germline): Likely benign (1 of 4 stars; one submission).

Submission:

CeGaT Center for Human Genetics Tuebingen
Classification: Likely benign. Last evaluated: 2024-09-01. Review status: criteria provided, single submitter. Criteria: CeGaT Center For Human Genetics Tuebingen Variant Classification Criteria Version 2. Collection method: clinical testing. Allele origin: germline. Affected: yes. Observed: 1 variant allele.
Comment: ABCB11: PM2:Supporting, BP4, BP7